The following is an entry in ClinVar:

NM_002227.4(JAK1):c.3343C>T (p.Pro1115Ser)

Gene: JAK1 (Janus kinase 1; minus strand). Cytogenetic location: 1p31.3.
Variant type: single nucleotide variant.
Coding change: c.3343C>T on transcript NM_002227.4 (MANE Select); coding-DNA position 3343, C replaced by T.
Protein change: p.Pro1115Ser; replaces proline 1115 with serine.
Molecular consequence: missense variant.
Genome position (GRCh38, 1-based): chr1:64,835,422, G>A on the plus strand (C>T on the coding strand, the complement: JAK1 is on the minus strand). VCF-style: chr1-64835422-G-A. GRCh37 (hg19) VCF-style: chr1-65301105-G-A.
Other names: c.3343C>T, p.Pro1115Ser (NM_001320923.2, NM_001321852.2, NM_001321853.2 and 3 more transcripts); c.3340C>T, p.Pro1114Ser (NM_001321857.2); short protein forms P1114S, P1115S.
Identifiers: ClinVar variation 1509416 (VCV001509416.8), dbSNP rs376079085, ClinGen allele CA892473.

ClinVar aggregate classification (germline): Uncertain significance (1 of 4 stars; one submission).

Allele frequency attached by ClinVar (database versions not stated): gnomAD exomes 0.00001 and 0.00002; ExAC 0.00002; TOPMed 0.00002; gnomAD 0.00003; ESP Exome Variant Server 0.00008.
gnomAD v4.1: 21 of 1,605,708 alleles (0.0013%); highest among the groups gnomAD compares: Non-Finnish European, 0.0017%; 1 homozygote.

Submission:

Labcorp Genetics (formerly Invitae), Labcorp
Classification: Uncertain significance. Last evaluated: 2024-12-10. Review status: criteria provided, single submitter. Criteria: Invitae Variant Classification Sherloc (09022015). Collection method: clinical testing. Allele origin: germline.
Comment: This sequence change replaces proline, which is neutral and non-polar, with serine, which is neutral and polar, at codon 1115 of the JAK1 protein (p.Pro1115Ser). The frequency data for this variant in the population databases is considered unreliable, as metrics indicate poor data quality at this position in the gnomAD database. This variant has not been reported in the literature in individuals affected with JAK1-related conditions. ClinVar contains an entry for this variant (Variation ID: 1509416). Invitae Evidence Modeling of protein sequence and biophysical properties (such as structural, functional, and spatial information, amino acid conservation, physicochemical variation, residue mobility, and thermodynamic stability) indicates that this missense variant is not expected to disrupt JAK1 protein function with a negative predictive value of 80%. In summary, the available evidence is currently insufficient to determine the role of this variant in disease. Therefore, it has been classified as a Variant of Uncertain Significance.